The following is an entry in ClinVar:

NM_002769.5(PRSS1):c.353T>G (p.Val118Gly)

Genes: PRSS1 (serine protease 1; plus strand), TRB (T cell receptor beta locus; plus strand). Cytogenetic location: 7q34.
Variant type: single nucleotide variant.
Coding change: c.353T>G on transcript NM_002769.5 (MANE Select); coding-DNA position 353, T replaced by G.
Protein change: p.Val118Gly; replaces valine 118 with glycine.
Molecular consequence: missense variant. On other transcripts: non-coding transcript variant (5).
Genome position (GRCh38, 1-based): chr7:142,751,926, T>G. VCF-style: chr7-142751926-T-G. GRCh37 (hg19) VCF-style: chr7-142459777-T-G.
Other names: short protein forms V118G.
Identifiers: ClinVar variation 1732457 (VCV001732457.3), dbSNP rs753618826, ClinGen allele CA4529933.

ClinVar aggregate classification (germline): Uncertain significance (1 of 4 stars; one submission).

Conditions:
Hereditary pancreatitis (PCTT). Also called: Hereditary chronic pancreatitis; PRSS1-Related Hereditary Pancreatitis. Identifiers: Orphanet 676, MedGen C0238339, MONDO:0008185, OMIM 167800.

Allele frequency attached by ClinVar (database versions not stated): gnomAD exomes below 0.00001; gnomAD 0.00001; TOPMed 0.00001.
gnomAD v4.1: 5 of 1,613,888 alleles (0.00031%); highest among the groups gnomAD compares: Non-Finnish European, 0.00042%; no homozygotes.

Submission:

Ambry Genetics
Classification: Uncertain significance for Hereditary pancreatitis. Last evaluated: 2024-04-05. Review status: criteria provided, single submitter. Criteria: Ambry Variant Classification Scheme 2023. Collection method: clinical testing. Allele origin: germline.
Comment: The p.V118G variant (also known as c.353T>G), located in coding exon 3 of the PRSS1 gene, results from a T to G substitution at nucleotide position 353. The valine at codon 118 is replaced by glycine, an amino acid with dissimilar properties. This amino acid position is conserved. In addition, this alteration is predicted to be tolerated by in silico analysis. Since supporting evidence is limited at this time, the clinical significance of this alteration remains unclear.